The following is an entry in ClinVar:

ClinVar aggregate classification (germline): Likely pathogenic (3 of 4 stars; one submission).

Conditions:
Glanzmann thrombasthenia. Also called: BLEEDING DISORDER, PLATELET-TYPE, 2; THROMBASTHENIA OF GLANZMANN AND NAEGELI; Thrombasthenia; PLATELET GLYCOPROTEIN IIb-IIIa DEFICIENCY; Glanzmann's thrombasthenia. Identifiers: Orphanet 849, MedGen C0040015, MONDO:0100326.

gnomAD v4.1: 2 of 1,611,766 alleles (0.00012%); highest among the groups gnomAD compares: East Asian, 0.0045%; no homozygotes.

Submission:

ClinGen Platelet Disorders Variant Curation Expert Panel, ClinGen
Classification: Likely pathogenic for Glanzmann thrombasthenia. Last evaluated: 2025-11-06. Review status: reviewed by expert panel. Criteria: ClinGen Platelet ACMG Specifications v2-1. Collection method: curation. Allele origin: germline. Inheritance: Autosomal recessive inheritance.
Comment: The NM_000419.5:c.520T>C variant in ITGA2B is a missense variant predicted to cause substitution of Tyrosine by Histidine at amino acid 174 (p.Tyr174His). At least one patient (Patient Osaka-12 in PMID: 12506038) with this variant displayed mucocutaneous bleeding and impaired aggregation with all agonists except ristocetin, which is highly specific for Glanzmann thrombasthenia (PP4_Moderate). Additionally, patient platelets expressed 36%-41% αIIbβ3 but failed to bind soluble ligands, including a high-affinity αIIbβ3-specific peptidomimetic antagonist (OP-G2 and PAC-1). The computational predictor REVEL gives a score of 0.815, which is above the ClinGen PD VCEP threshold of >0.7 and predicts a damaging effect on function (PP3). An expression vector that contained the wild-type or mutant His174 form of αIIb was cotransfected with a wild-type β3 vector into 293 cells. Flow cytometric analysis using FITC-AP3 or FITC-TP80 mAb showed that the expression levels of Tyr174HisαIIbβ3 were essentially the same as wild-type αIIbβ3. In sharp contrast, Tyr174HisαIIbβ3 failed to bind OP-G2 mAb, FITC-PAC-1 mAb, or FITC-fibrinogen in the presence of PT25-2 mAb, indicating that this variant impacts protein function (PMID: 12506038; PS3). The highest population minor allele frequency in gnomAD v4.1 is 0.00004459 (2/44856 alleles) in the East Asian genetic ancestry group, which is lower than the ClinGen PD VCEP threshold (<0.0001; PM2_Supporting). In summary, this variant meets the criteria to be classified as likely pathogenic for autosomal recessive Glanzmann Thrombasthenia based on the ACMG/AMP criteria applied, as specified by the ClinGen PD VCEP: PP4, PP3 and PM2_Supporting, PS3 (VCEP specifications version 2).

Literature cited by the submitters: PubMed 12506038.

NM_000419.5(ITGA2B):c.520T>C (p.Tyr174His)

Gene: ITGA2B (integrin subunit alpha 2b; minus strand). Cytogenetic location: 17q21.31.
Variant type: single nucleotide variant.
Coding change: c.520T>C on transcript NM_000419.5 (MANE Select); coding-DNA position 520, T replaced by C.
Protein change: p.Tyr174His; replaces tyrosine 174 with histidine.
Molecular consequence: missense variant.
Genome position (GRCh38, 1-based): chr17:44,385,605, A>G on the plus strand (T>C on the coding strand, the complement: ITGA2B is on the minus strand). VCF-style: chr17-44385605-A-G. GRCh37 (hg19) VCF-style: chr17-42462973-A-G.
Other names: NM_000419.5:c.520T>C; short protein forms Y174H.
Identifiers: ClinVar variation 2498367 (VCV002498367.3), dbSNP rs2048640612, ClinGen allele CA399805805.